The following is an entry in ClinVar:

ClinVar aggregate classification (germline): Uncertain significance (1 of 4 stars; one submission).

Allele frequency attached by ClinVar (database versions not stated): ExAC 0.00001; gnomAD 0.00002 and 0.00003.
gnomAD v4.1: 7 of 1,613,978 alleles (0.00043%); highest among the groups gnomAD compares: African/African-American, 0.0027%; no homozygotes.

Submission:

Labcorp Genetics (formerly Invitae), Labcorp
Classification: Uncertain significance. Last evaluated: 2021-12-02. Review status: criteria provided, single submitter. Criteria: Invitae Variant Classification Sherloc (09022015). Collection method: clinical testing. Allele origin: germline.
Comment: In summary, the available evidence is currently insufficient to determine the role of this variant in disease. Therefore, it has been classified as a Variant of Uncertain Significance. Algorithms developed to predict the effect of missense changes on protein structure and function are either unavailable or do not agree on the potential impact of this missense change (SIFT: "Tolerated"; PolyPhen-2: "Probably Damaging"; Align-GVGD: "Class C0"). This variant has not been reported in the literature in individuals affected with DISP1-related conditions. This variant is present in population databases (rs747659889, gnomAD 0.007%). This sequence change replaces alanine, which is neutral and non-polar, with threonine, which is neutral and polar, at codon 359 of the DISP1 protein (p.Ala359Thr).

NM_001377229.1(DISP1):c.1075G>A (p.Ala359Thr)

Gene: DISP1 (dispatched RND transporter family member 1; plus strand). Cytogenetic location: 1q41.
Variant type: single nucleotide variant.
Coding change: c.1075G>A on transcript NM_001377229.1 (MANE Select); coding-DNA position 1075, G replaced by A.
Protein change: p.Ala359Thr; replaces alanine 359 with threonine.
Molecular consequence: missense variant.
Genome position (GRCh38, 1-based): chr1:223,002,472, G>A. VCF-style: chr1-223002472-G-A. GRCh37 (hg19) VCF-style: chr1-223175814-G-A.
Other names: c.346G>A, p.Ala116Thr (NM_001350630.2); c.1075G>A, p.Ala359Thr (NM_001369594.1, NM_001377228.1, NM_032890.5); short protein forms A359T, A116T.
Identifiers: ClinVar variation 1436193 (VCV001436193.6), dbSNP rs747659889, ClinGen allele CA1409008.